The following is an entry in ClinVar:

NM_001159699.2(FHL1):c.816C>T (p.Ser272=)

Gene: FHL1 (four and a half LIM domains 1; plus strand). Cytogenetic location: Xq26.3.
Variant type: single nucleotide variant.
Coding change: c.816C>T on transcript NM_001159699.2 (MANE Select); coding-DNA position 816, C replaced by T.
Protein change: p.Ser272=; no amino-acid change (serine 272 retained).
Molecular consequence: synonymous variant. On other transcripts: missense variant (6), non-coding transcript variant (1).
Genome position (GRCh38, 1-based): chrX:136,209,950, C>T. VCF-style: chrX-136209950-C-T. GRCh37 (hg19) VCF-style: chrX-135292109-C-T.
Other names: c.768C>T, p.Ser256= (NM_001159700.2, NM_001159704.1, NM_001167819.1 and 4 more transcripts); c.855C>T, p.Ser285= (NM_001159701.2); c.968C>T, p.Pro323Leu (NM_001159702.3, NM_001369326.1, NM_001369327.2 and 1 more transcripts); c.581C>T, p.Pro194Leu (NM_001159703.2); c.629C>T, p.Pro210Leu (NM_001330659.2); short protein forms P194L, P210L, P323L.
Identifiers: ClinVar variation 995620 (VCV000995620.20), dbSNP rs758552293, ClinGen allele CA10525127.
Genomic context (GRCh38, chrX:136,209,950, plus strand): 5'-TGTGGTGGCCTATGAAGGACAATCCTGGCACGACTACTGCTTCCACTGCAAAAAATGCTC[C>T]GTGAATCTGGCCAACAAGCGCTTTGTTTTCCACCAGGAGCAAGTGTATTGTCCCGACTGT-3'
Protein context (NP_001153171.1, residues 262-282): HDYCFHCKKC[Ser272=]VNLANKRFVF

ClinVar aggregate classification (germline): Conflicting classifications of pathogenicity. Review status: criteria provided, conflicting classifications (1 of 4 stars). 3 submissions from 3 submitters: Uncertain significance (1); Likely benign (2). Last evaluated 2025-12-13.

Conditions:
X-linked myopathy with postural muscle atrophy. Also called: FHL1-Related Emery-Dreifuss Muscular Dystrophy, X-Linked. Identifiers: Orphanet 178461, MedGen C2678055, MONDO:0010401, OMIM 300696.
Cardiovascular phenotype. Identifiers: MedGen CN230736.

Allele frequency attached by ClinVar (database versions not stated): gnomAD exomes 0.00001; gnomAD 0.00003; TOPMed 0.00003.
gnomAD v4.1: 11 of 1,208,862 alleles (0.00091%); highest among the groups gnomAD compares: African/African-American, 0.007%; no homozygotes.

Submissions (3):

Labcorp Genetics (formerly Invitae), Labcorp
Classification: Likely benign for X-linked myopathy with postural muscle atrophy. Last evaluated: 2025-12-13. Review status: criteria provided, single submitter. Criteria: Invitae Variant Classification Sherloc (09022015). Collection method: clinical testing. Allele origin: germline.

Ambry Genetics
Classification: Likely benign for Cardiovascular phenotype. Last evaluated: 2025-04-08. Review status: criteria provided, single submitter. Criteria: Ambry Variant Classification Scheme 2023. Collection method: clinical testing. Allele origin: germline.

ARUP Laboratories, Molecular Genetics and Genomics, ARUP Laboratories
Classification: Uncertain significance. Last evaluated: 2021-04-27. Review status: criteria provided, single submitter. Criteria: ARUP Molecular Germline Variant Investigation Process 2021. Collection method: clinical testing. Allele origin: germline.
Comment: The FHL1 c.968C>T; p.Pro323Leu variant (rs758552293), also known as c.768C>T; p.Ser256Ser on the predominant transcript NM_001449.4, is not reported in the medical literature but is reported in the Leiden Open Variation Database. This variant is only observed on one allele in the Genome Aggregation Database, indicating it is not a common polymorphism. The proline at codon 323 is weakly conserved, and computational analyses (SIFT: damaging, PolyPhen-2: benign) predict conflicting effects of this variant on protein structure/function. Although p.Pro323Leu occurs on only a small proportion (2-3%) of transcripts expressed in heart and skeletal muscle (GTEX database), another variant specific to these transcripts has been reported in two brothers with myopathy and cardiac involvement (Binder 2012 and Schoser 2009). Due to limited information, the clinical significance of the p.Pro323Leu variant is uncertain at this time.